The following is an entry in ClinVar:

NM_030632.3(ASXL3):c.688T>C (p.Leu230=)

Gene: ASXL3 (ASXL transcriptional regulator 3; plus strand). Cytogenetic location: 18q12.1.
Variant type: single nucleotide variant.
Coding change: c.688T>C on transcript NM_030632.3 (MANE Select); coding-DNA position 688, T replaced by C.
Protein change: p.Leu230=; no amino-acid change (leucine 230 retained).
Molecular consequence: synonymous variant.
Genome position (GRCh38, 1-based): chr18:33,671,839, T>C. VCF-style: chr18-33671839-T-C. GRCh37 (hg19) VCF-style: chr18-31251803-T-C.
Identifiers: ClinVar variation 3027048 (VCV003027048.22), dbSNP rs560314081, ClinGen allele CA8933606.

ClinVar aggregate classification (germline): Likely benign (1 of 4 stars; one submission).

Allele frequency attached by ClinVar (database versions not stated): gnomAD exomes 0.00001; gnomAD 0.00002; TOPMed 0.00002; ExAC 0.00009; 1000 Genomes Project 30x 0.00016; 1000 Genomes Project 0.00020.
gnomAD v4.1: 23 of 1,609,436 alleles (0.0014%); highest among the groups gnomAD compares: East Asian, 0.051%; no homozygotes.

Submission:

CeGaT Center for Human Genetics Tuebingen
Classification: Likely benign. Last evaluated: 2024-02-01. Review status: criteria provided, single submitter. Criteria: CeGaT Center For Human Genetics Tuebingen Variant Classification Criteria Version 2. Collection method: clinical testing. Allele origin: germline. Affected: yes. Observed: 1 variant allele.
Comment: ASXL3: BP4, BS2